The following is an entry in ClinVar:

ClinVar aggregate classification (germline): Conflicting classifications of pathogenicity. Review status: criteria provided, conflicting classifications (1 of 4 stars). 3 submissions from 3 submitters: Likely pathogenic (1); Uncertain significance (2). Last evaluated 2025-07-02.

Conditions:
Polycystic kidney disease, adult type (PKD1). Also called: Polycystic Kidney Disease 1, Autosomal Dominant; Polycystic kidney disease 1; Polycystic kidney disease 1, severe; Polycystic Kidney, Autosomal Dominant; POLYCYSTIC KIDNEY DISEASE, ADULT, TYPE I; POLYCYSTIC KIDNEY DISEASE 1 WITH OR WITHOUT POLYCYSTIC LIVER DISEASE. Identifiers: MedGen C3149841, MONDO:0008263, OMIM 173900.

gnomAD v4.1: 4 of 1,611,152 alleles (0.00025%); highest among the groups gnomAD compares: Non-Finnish European, 0.00034%; no homozygotes.

Submissions (3):

Victorian Clinical Genetics Services, Murdoch Childrens Research Institute
Classification: Uncertain significance for Polycystic kidney disease, adult type. Last evaluated: 2025-07-02. Review status: criteria provided, single submitter. Criteria: ACMG Guidelines, 2015. Collection method: clinical testing. Allele origin: germline. Affected: yes.
Comment: This variant is classified as VUS-3B. Evidence in support of pathogenic classification: Variant is present in gnomAD <0.001 for a dominant condition (v4: 4 heterozygote(s), 0 homozygote(s)). Evidence in support of benign classification: Missense variant predicted to be tolerated by in silico tool(s) or not conserved in placental mammals with a minor amino acid change. Additional information: Variant is predicted to result in a missense amino acid change from arginine to glycine; This variant is heterozygous; This gene is associated with autosomal dominant disease. Polycystic kidney disease 1 (MIM#173900) is predominantly caused by monoallelic variants, with rare reports of biallelic variants causing disease (OMIM); Alternative amino acid change(s) at the same position are present in gnomAD (Highest allele count: v4: 38 heterozygote(s), 0 homozygote(s)); Previous reports of pathogenicity for this variant are conflicting. This variant has been classified as likely benign by a clinical laboratory in the ADPKD variant database; however, this variant has also been classified as likely pathogenic by a clinical laboratory in ClinVar; No published evidence of segregation with disease has been identified for this variant; No published functional evidence has been identified for this variant; Other missense variant(s) comparable to the one identified in this case have inconclusive previous evidence for pathogenicity. p.(Arg3000Cys) has been classified as a VUS by clinical laboratories in ClinVar and the ADPKD variant database, and reported in the literature in individuals with PKD; however, in both reports, another variant in PKD1 was reported (PMIDs: 33168999, 29801666). In addition, p.(Arg3000Pro) has been classified as a VUS and as likely pathogenic by clinical laboratories in ClinVar; Variant is not located in an established domain, motif, hotspot or informative constraint region; Loss of function is a known mechanism of disease in this gene and is associated with polycystic kidney disease 1 (MIM#173900); Inheritance information for this variant is not currently available in this individual.

Fulgent Genetics
Classification: Likely pathogenic for Polycystic kidney disease, adult type. Last evaluated: 2024-02-24. Review status: criteria provided, single submitter. Criteria: ACMG Guidelines, 2015. Collection method: clinical testing. Allele origin: germline.

Blueprint Genetics
Classification: Uncertain significance. Last evaluated: 2023-06-06. Review status: criteria provided, single submitter. Criteria: ACMG Guidelines, 2015. Collection method: clinical testing. Allele origin: germline.

Literature cited by the submitters: PubMed 33168999 (cited by Victorian Clinical Genetics Services, Murdoch Childrens Research Institute); PubMed 29801666 (cited by Victorian Clinical Genetics Services, Murdoch Childrens Research Institute).

NM_001009944.3(PKD1):c.8998C>G (p.Arg3000Gly)

Gene: PKD1 (polycystin 1, transient receptor potential channel interacting; minus strand). Cytogenetic location: 16p13.3.
Variant type: single nucleotide variant.
Coding change: c.8998C>G on transcript NM_001009944.3 (MANE Select); coding-DNA position 8998, C replaced by G.
Protein change: p.Arg3000Gly; replaces arginine 3000 with glycine.
Molecular consequence: missense variant.
Genome position (GRCh38, 1-based): chr16:2,102,584, G>C on the plus strand (C>G on the coding strand, the complement: PKD1 is on the minus strand). VCF-style: chr16-2102584-G-C. GRCh37 (hg19) VCF-style: chr16-2152585-G-C.
Other names: c.8998C>G, p.Arg3000Gly (NM_000296.4); short protein forms R3000G.
Identifiers: ClinVar variation 3579134 (VCV003579134.4).